The following is an entry in ClinVar:

ClinVar aggregate classification (germline): Likely benign (0 of 4 stars; one submission).

Conditions:
UTP4-related disorder. Also called: UTP4-related condition.

Allele frequency attached by ClinVar (database versions not stated): gnomAD 0.00001; gnomAD exomes 0.00001; TOPMed 0.00001; ExAC 0.00003; ESP Exome Variant Server 0.00008; 1000 Genomes Project 30x 0.00031; 1000 Genomes Project 0.00040.
gnomAD v4.1: 20 of 1,613,456 alleles (0.0012%); highest among the groups gnomAD compares: African/African-American, 0.015%; no homozygotes.

Submission:

PreventionGenetics, part of Exact Sciences
Classification: Likely benign for UTP4-related condition. Last evaluated: 2023-12-04. Review status: no assertion criteria provided. Collection method: clinical testing. Allele origin: germline.
Comment: This variant is classified as likely benign based on ACMG/AMP sequence variant interpretation guidelines (Richards et al. 2015 PMID: 25741868, with internal and published modifications).

NM_032830.3(UTP4):c.1830A>G (p.Ser610=)

Gene: UTP4 (UTP4 small subunit processome component). Cytogenetic location: 16q22.1.
Variant type: single nucleotide variant.
Coding change: c.1830A>G on transcript NM_032830.3 (MANE Select); coding-DNA position 1830, A replaced by G.
Protein change: p.Ser610=; no amino-acid change (serine 610 retained).
Molecular consequence: synonymous variant.
Genome position (GRCh38, 1-based): chr16:69,165,523, A>G. VCF-style: chr16-69165523-A-G. GRCh37 (hg19) VCF-style: chr16-69199426-A-G.
Other names: c.1581A>G, p.Ser527= (NM_001318391.2).
Identifiers: ClinVar variation 3054939 (VCV003054939.2), dbSNP rs367714898, ClinGen allele CA8132541.